The following is an entry in ClinVar:

NM_173560.4(RFX6):c.619del (p.Val207fs)

Gene: RFX6 (regulatory factor X6; plus strand). Cytogenetic location: 6q22.1.
Variant type: Deletion.
Coding change: c.619del on transcript NM_173560.4 (MANE Select); coding-DNA position 619, one base deleted (G; older notation c.619delG).
Protein change: p.Val207fs; shifts the reading frame from valine 207.
Molecular consequence: frameshift variant.
Genome position (GRCh38, 1-based): chr6:116,894,039, G deleted. VCF-style (leftmost placement, unchanged base first): chr6-116894038-CG-C. GRCh37 (hg19) VCF-style: chr6-117215201-CG-C.
Other names: short protein forms V207fs.
Identifiers: ClinVar variation 4082506 (VCV004082506.2).
Genomic context (GRCh38, chr6:116,894,038, plus strand): 5'-TTGCTCTAGGTATCATTACTATGGGATTGGCATCAAAGAGAGCAGTGCATATTACCACTC[CG>C]TTTATTCTGGAAAGGGCTTGACAAGGTAGAGTTACACCATCTTCAAGACAAATTCTCTGT-3'

ClinVar aggregate classification (germline): Likely pathogenic (1 of 4 stars; one submission).

Submission:

Genetic Services Laboratory, University of Chicago
Classification: Likely pathogenic. Last evaluated: 2024-05-30. Review status: criteria provided, single submitter. Criteria: ACMG Guidelines, 2015. Collection method: clinical testing. Allele origin: germline. Affected: yes.
Comment: DNA sequence analysis of the RFX6 gene demonstrated a single base pair deletion in exon 5, c.619del. This sequence change results in an amino acid frameshift and creates a premature stop codon 6 amino acids downstream of the change, p.Val207Phefs*7. This pathogenic sequence change is predicted to result in an abnormal transcript, which may be degraded, or may lead to the production of a truncated RFX6 protein with potentially abnormal function. This change does not appear to have been previously described in individuals with RFX6-related disorders and has also not been described in the population databases such as gnomAD. While this sequence change has not previously been described in the literature, other loss of function variants in the RFX6 gene have been described in individuals with diabetes